The following is an entry in ClinVar:

ClinVar aggregate classification (germline): Likely pathogenic (1 of 4 stars; one submission).

Submission:

Mayo Clinic Laboratories, Mayo Clinic
Classification: Likely pathogenic. Last evaluated: 2021-03-22. Review status: criteria provided, single submitter. Criteria: ACMG Guidelines, 2015. Collection method: clinical testing. Allele origin: germline. Observed: 1 variant allele.
Comment: PVS1, PM2

NM_001355436.2(SPTB):c.3980_3983delinsCCAGAGAACATGAA (p.Gly1327fs)

Gene: SPTB (spectrin beta, erythrocytic; minus strand). Cytogenetic location: 14q23.3.
Variant type: Indel.
Coding change: c.3980_3983delinsCCAGAGAACATGAA on transcript NM_001355436.2 (MANE Select); coding-DNA positions 3980 to 3983, GGTG replaced by CCAGAGAACATGAA.
Protein change: p.Gly1327fs; shifts the reading frame from glycine 1327.
Molecular consequence: frameshift variant.
Genome position (GRCh38, 1-based): chr14:64,784,266-64,784,269, CACC replaced by TTCATGTTCTCTGG on the plus strand (GGTG replaced by CCAGAGAACATGAA on the coding strand, the reverse complement: SPTB is on the minus strand). VCF-style: chr14-64784266-CACC-TTCATGTTCTCTGG. GRCh37 (hg19) VCF-style: chr14-65250984-CACC-TTCATGTTCTCTGG.
Other names: c.3980_3983delinsCCAGAGAACATGAA, p.Gly1327fs (NM_001024858.4, NM_001355437.2); short protein forms G1327fs.
Identifiers: ClinVar variation 1120207 (VCV001120207.5), dbSNP rs2139555125, ClinGen allele CA2499222657.